The following is an entry in ClinVar:

ClinVar aggregate classification (germline): Uncertain significance (1 of 4 stars; one submission).

Allele frequency attached by ClinVar (database versions not stated): gnomAD exomes 0.00001; TOPMed 0.00001.

Submission:

Labcorp Genetics (formerly Invitae), Labcorp
Classification: Uncertain significance. Last evaluated: 2022-08-31. Review status: criteria provided, single submitter. Criteria: Invitae Variant Classification Sherloc (09022015). Collection method: clinical testing. Allele origin: germline.
Comment: This sequence change replaces methionine, which is neutral and non-polar, with threonine, which is neutral and polar, at codon 1198 of the CACNA1B protein (p.Met1198Thr). This variant is not present in population databases (gnomAD no frequency). This variant has not been reported in the literature in individuals affected with CACNA1B-related conditions. Advanced modeling of protein sequence and biophysical properties (such as structural, functional, and spatial information, amino acid conservation, physicochemical variation, residue mobility, and thermodynamic stability) performed at Invitae indicates that this missense variant is expected to disrupt CACNA1B protein function. In summary, the available evidence is currently insufficient to determine the role of this variant in disease. Therefore, it has been classified as a Variant of Uncertain Significance.

NM_000718.4(CACNA1B):c.3593T>C (p.Met1198Thr)

Gene: CACNA1B (calcium voltage-gated channel subunit alpha1 B; plus strand). Cytogenetic location: 9q34.3.
Variant type: single nucleotide variant.
Coding change: c.3593T>C on transcript NM_000718.4 (MANE Select); coding-DNA position 3593, T replaced by C.
Protein change: p.Met1198Thr; replaces methionine 1198 with threonine.
Molecular consequence: missense variant.
Genome position (GRCh38, 1-based): chr9:138,047,448, T>C. VCF-style: chr9-138047448-T-C. GRCh37 (hg19) VCF-style: chr9-140941900-T-C.
Other names: c.3593T>C, p.Met1198Thr (NM_001243812.2); short protein forms M1198T.
Identifiers: ClinVar variation 1975853 (VCV001975853.2), dbSNP rs949202767, ClinGen allele CA201848106.